The following is an entry in ClinVar:

NM_000334.4(SCN4A):c.4264G>A (p.Val1422Met)

Genes: GH-LCR (growth hormone locus control region; plus strand), SCN4A (sodium voltage-gated channel alpha subunit 4; minus strand). Cytogenetic location: 17q23.3.
Variant type: single nucleotide variant.
Coding change: c.4264G>A on transcript NM_000334.4 (MANE Select); coding-DNA position 4264, G replaced by A.
Protein change: p.Val1422Met; replaces valine 1422 with methionine.
Molecular consequence: missense variant.
Genome position (GRCh38, 1-based): chr17:63,942,850, C>T on the plus strand (G>A on the coding strand, the complement: SCN4A is on the minus strand). VCF-style: chr17-63942850-C-T. GRCh37 (hg19) VCF-style: chr17-62020210-C-T.
Other names: short protein forms V1422M.
Identifiers: ClinVar variation 950243 (VCV000950243.11), dbSNP rs567183255, ClinGen allele CA8709028.
Genomic context (GRCh38, chr17:63,942,850, plus strand): 5'-CAGTGCTGCCCTGCCGGTCCAGCCCGCCCCGCTCACCCACAATGGACAGGATGACGACCA[C>T]GAAGTCAAAGATGTTCCAGCCAACGGTGAAGTAGTACTGGCGCAGGGCGAGCATCTTGAG-3'
Protein context (NP_000325.4, residues 1412-1432): FTVGWNIFDF[Val1422Met]VVILSIVGLA

ClinVar aggregate classification (germline): Uncertain significance. Review status: criteria provided, multiple submitters, no conflicts (2 of 4 stars). 2 submissions from 2 submitters: Uncertain significance (2). Last evaluated 2024-10-06.

Conditions:
Hyperkalemic periodic paralysis. Also called: Familial hyperkalemic periodic paralysis; Gamstorp disease. Identifiers: Orphanet 682, MedGen C0238357, MONDO:0008224, OMIM 170500, HP:0007215.
Inborn genetic diseases. Identifiers: MedGen C0950123, MeSH D030342.

Allele frequency attached by ClinVar (database versions not stated): gnomAD 0.00001; TOPMed 0.00001; ExAC 0.00002; gnomAD exomes 0.00002; 1000 Genomes Project 0.00020; 1000 Genomes Project 30x 0.00031.
gnomAD v4.1: 36 of 1,613,966 alleles (0.0022%); highest among the groups gnomAD compares: South Asian, 0.035%; no homozygotes.

Submissions (2):

Labcorp Genetics (formerly Invitae), Labcorp
Classification: Uncertain significance for Hyperkalemic periodic paralysis. Last evaluated: 2024-10-06. Review status: criteria provided, single submitter. Criteria: Invitae Variant Classification Sherloc (09022015). Collection method: clinical testing. Allele origin: germline.
Comment: This sequence change replaces valine, which is neutral and non-polar, with methionine, which is neutral and non-polar, at codon 1422 of the SCN4A protein (p.Val1422Met). This variant is present in population databases (rs567183255, gnomAD 0.01%). This variant has not been reported in the literature in individuals affected with SCN4A-related conditions. ClinVar contains an entry for this variant (Variation ID: 950243). Invitae Evidence Modeling of protein sequence and biophysical properties (such as structural, functional, and spatial information, amino acid conservation, physicochemical variation, residue mobility, and thermodynamic stability) indicates that this missense variant is not expected to disrupt SCN4A protein function with a negative predictive value of 95%. In summary, the available evidence is currently insufficient to determine the role of this variant in disease. Therefore, it has been classified as a Variant of Uncertain Significance.

Ambry Genetics
Classification: Uncertain significance for Inborn genetic diseases. Last evaluated: 2022-08-17. Review status: criteria provided, single submitter. Criteria: Ambry Variant Classification Scheme 2023. Collection method: clinical testing. Allele origin: germline.